The following is an entry in ClinVar:

ClinVar aggregate classification (germline): Conflicting classifications of pathogenicity. Review status: criteria provided, conflicting classifications (1 of 4 stars). 3 submissions from 3 submitters: Uncertain significance (2); Benign (1). Last evaluated 2025-08-25.

Conditions:
Familial thoracic aortic aneurysm and aortic dissection (TAAD). Also called: Thoracic aortic aneurysms and dissections. Identifiers: Orphanet 91387, MedGen C4707243, MONDO:0019625.
Aortic valve disease 1 (AOVD1). Identifiers: MedGen C3887892, MONDO:0024523, OMIM 109730.
Adams-Oliver syndrome 5 (AOS5). Identifiers: Orphanet 974, MedGen C4014970, MONDO:0014459, OMIM 616028.

Allele frequency attached by ClinVar (database versions not stated): TOPMed below 0.00001; gnomAD 0.00001; gnomAD exomes 0.00001 and 0.00002.
gnomAD v4.1: 14 of 1,536,080 alleles (0.00091%); highest among the groups gnomAD compares: Admixed American, 0.006%; no homozygotes.

Submissions (3):

Labcorp Genetics (formerly Invitae), Labcorp
Classification: Benign for Adams-Oliver syndrome 5. Last evaluated: 2025-08-25. Review status: criteria provided, single submitter. Criteria: Invitae Variant Classification Sherloc (09022015). Collection method: clinical testing. Allele origin: germline.

Ambry Genetics
Classification: Uncertain significance for Familial thoracic aortic aneurysm and aortic dissection. Last evaluated: 2024-05-06. Review status: criteria provided, single submitter. Criteria: Ambry Variant Classification Scheme 2023. Collection method: clinical testing. Allele origin: germline.
Comment: The p.R1662W variant (also known as c.4984C>T), located in coding exon 26 of the NOTCH1 gene, results from a C to T substitution at nucleotide position 4984. The arginine at codon 1662 is replaced by tryptophan, an amino acid with dissimilar properties. This amino acid position is poorly conserved in available vertebrate species. In addition, this alteration is predicted to be tolerated by in silico analysis. Based on the available evidence, the clinical significance of this variant remains unclear.

Juno Genomics, Hangzhou Juno Genomics, Inc
Classification: Uncertain significance for Adams-Oliver syndrome 5; Aortic valve disease 1. Review status: criteria provided, single submitter. Criteria: ACMG Guidelines, 2015. Collection method: clinical testing. Allele origin: germline.
Comment: Absent from controls (or at extremely low frequency if recessive) in Genome Aggregation Database.;Missense variant in a gene that has a low rate of benign missense variation.;Multiple lines of computational evidence support a deleterious effect on the gene or gene product.

NM_017617.5(NOTCH1):c.4984C>T (p.Arg1662Trp)

Gene: NOTCH1 (notch receptor 1; minus strand). Cytogenetic location: 9q34.3.
Variant type: single nucleotide variant.
Coding change: c.4984C>T on transcript NM_017617.5 (MANE Select); coding-DNA position 4984, C replaced by T.
Protein change: p.Arg1662Trp; replaces arginine 1662 with tryptophan.
Molecular consequence: missense variant.
Genome position (GRCh38, 1-based): chr9:136,504,707, G>A on the plus strand (C>T on the coding strand, the complement: NOTCH1 is on the minus strand). VCF-style: chr9-136504707-G-A. GRCh37 (hg19) VCF-style: chr9-139399159-G-A.
Other names: short protein forms R1662W.
Identifiers: ClinVar variation 952314 (VCV000952314.12), dbSNP rs1456612268, ClinGen allele CA375644120.